The following is an entry in ClinVar:

ClinVar aggregate classification (germline): Pathogenic/Likely pathogenic. Review status: criteria provided, multiple submitters, no conflicts (2 of 4 stars). 2 submissions from 2 submitters: Pathogenic (1); Likely pathogenic (1). Last evaluated 2025-04-11.

Conditions:
COL2A1-related disorder. Also called: COL2A1-related condition; COL2A1-related disorders.

Submissions (2):

Labcorp Genetics (formerly Invitae), Labcorp
Classification: Pathogenic. Last evaluated: 2025-04-11. Review status: criteria provided, single submitter. Criteria: Invitae Variant Classification Sherloc (09022015). Collection method: clinical testing. Allele origin: germline.
Comment: This sequence change creates a premature translational stop signal (p.Gln1085*) in the COL2A1 gene. It is expected to result in an absent or disrupted protein product. Loss-of-function variants in COL2A1 are known to be pathogenic (PMID: 20179744). This variant is not present in population databases (gnomAD no frequency). This variant has not been reported in the literature in individuals affected with COL2A1-related conditions. For these reasons, this variant has been classified as Pathogenic.

Blueprint Genetics
Classification: Likely pathogenic for COL2A1-related disorders. Last evaluated: 2017-07-20. Review status: criteria provided, single submitter. Criteria: ACMG Guidelines, 2015. Collection method: clinical testing. Allele origin: germline. Affected: yes. Observed: 1 variant allele.

Literature cited by the submitters: PubMed 20179744 (cited by Labcorp Genetics (formerly Invitae), Labcorp).

NM_001844.5(COL2A1):c.3253C>T (p.Gln1085Ter)

Gene: COL2A1 (collagen type II alpha 1 chain; minus strand). Cytogenetic location: 12q13.11.
Variant type: single nucleotide variant.
Coding change: c.3253C>T on transcript NM_001844.5 (MANE Select); coding-DNA position 3253, C replaced by T.
Protein change: p.Gln1085Ter; replaces glutamine 1085 with a stop codon.
Molecular consequence: nonsense.
Genome position (GRCh38, 1-based): chr12:47,977,340, G>A on the plus strand (C>T on the coding strand, the complement: COL2A1 is on the minus strand). VCF-style: chr12-47977340-G-A. GRCh37 (hg19) VCF-style: chr12-48371123-G-A.
Other names: c.3046C>T, p.Gln1016Ter (NM_033150.3); short protein forms Q1085*, Q1016*.
Identifiers: ClinVar variation 4717266 (VCV004717266.2).
Genomic context (GRCh38, chr12:47,977,340, plus strand): 5'-CGCAGGGGAAGGCGGCTTTTACTGAATTCAGGATACTTACAGCTTCTCCTCTGTCTCCTT[G>A]CTTGCCAGTTGGACCAGCGGGGCCAGGGGAGCCAGGGGGCCCAGGGGCTCCAGGAGCTCC-3'